The following is an entry in ClinVar:

NM_000277.3(PAH):c.441+20G>A

Gene: PAH (phenylalanine hydroxylase; minus strand). Cytogenetic location: 12q23.2.
Variant type: single nucleotide variant.
Coding change: c.441+20G>A on transcript NM_000277.3 (MANE Select); 20 bases into the intron after coding-DNA position 441, G replaced by A.
Molecular consequence: intron variant.
Genome position (GRCh38, 1-based): chr12:102,877,442, C>T on the plus strand (G>A on the coding strand, the complement: PAH is on the minus strand). VCF-style: chr12-102877442-C-T. GRCh37 (hg19) VCF-style: chr12-103271220-C-T.
Other names: c.441+20G>A (NM_001354304.2).
Identifiers: ClinVar variation 1634636 (VCV001634636.11), dbSNP rs111842675, ClinGen allele CA6748946.

ClinVar aggregate classification (germline): Benign/Likely benign. Review status: criteria provided, multiple submitters, no conflicts (2 of 4 stars). 4 submissions from 4 submitters: Benign (2); Likely benign (2). Last evaluated 2026-01-28.

Conditions:
Phenylketonuria (PKU). Also called: FOLLING DISEASE; Phenylketonurias; OLIGOPHRENIA PHENYLPYRUVICA; Phenylketonuria (PKU). Identifiers: Orphanet 716, MedGen C0031485, MONDO:0009861, OMIM 261600. Disease mechanism: loss of function.

Allele frequency attached by ClinVar (database versions not stated): ESP Exome Variant Server 0.00192; gnomAD 0.00204 and 0.00229; ExAC 0.00054; 1000 Genomes Project 0.00120; 1000 Genomes Project 30x 0.00172.
gnomAD v4.1: 591 of 1,591,056 alleles (0.037%); highest among the groups gnomAD compares: African/African-American, 0.72%; 3 homozygotes.

Submissions (4):

Labcorp Genetics (formerly Invitae), Labcorp
Classification: Benign for Phenylketonuria. Last evaluated: 2026-01-28. Review status: criteria provided, single submitter. Criteria: Invitae Variant Classification Sherloc (09022015). Collection method: clinical testing. Allele origin: germline.

Blueprint Genetics
Classification: Likely benign. Last evaluated: 2024-10-22. Review status: criteria provided, single submitter. Criteria: ACMG Guidelines, 2015. Collection method: clinical testing. Allele origin: germline.

Women's Health and Genetics/Laboratory Corporation of America, LabCorp
Classification: Likely benign. Last evaluated: 2022-07-05. Review status: criteria provided, single submitter. Criteria: LabCorp Variant Classification Summary - May 2015. Collection method: clinical testing. Allele origin: germline.
Comment: Variant summary: PAH c.441+20G>A alters a non-conserved nucleotide located close to a canonical splice site and therefore could affect mRNA splicing, leading to a significantly altered protein sequence. 4/4 computational tools predict no significant impact on normal splicing. However, these predictions have yet to be confirmed by functional studies. The variant allele was found at a frequency of 0.00043 in 251480 control chromosomes. This frequency is not significantly higher than expected for a pathogenic variant in PAH causing Phenylalanine Hydroxylase Deficiency (Phenylketonuria) (0.00043 vs 0.0079), allowing no conclusion about variant significance. To our knowledge, no occurrence of c.441+20G>A in individuals affected with Phenylalanine Hydroxylase Deficiency (Phenylketonuria) and no experimental evidence demonstrating its impact on protein function have been reported. One clinical diagnostic laboratory has submitted clinical-significance assessments for this variant to ClinVar after 2014 without evidence for independent evaluation. One laboratory classified the variant as benign. Based on the evidence outlined above, the variant was classified as likely benign.

Breakthrough Genomics
Classification: Benign. Review status: criteria provided, single submitter. Criteria: ACMG Guidelines, 2015. Collection method: not provided. Allele origin: germline. Inheritance: Autosomal recessive inheritance. Affected: yes.